The following is an entry in ClinVar:

NM_002340.6(LSS):c.2073C>T (p.Asn691=)

Gene: LSS (lanosterol synthase; minus strand). Cytogenetic location: 21q22.3.
Variant type: single nucleotide variant.
Coding change: c.2073C>T on transcript NM_002340.6 (MANE Select); coding-DNA position 2073, C replaced by T.
Protein change: p.Asn691=; no amino-acid change (asparagine 691 retained).
Molecular consequence: synonymous variant.
Genome position (GRCh38, 1-based): chr21:46,191,230, G>A on the plus strand (C>T on the coding strand, the complement: LSS is on the minus strand). VCF-style: chr21-46191230-G-A. GRCh37 (hg19) VCF-style: chr21-47611144-G-A.
Other names: c.2073C>T, p.Asn691= (NM_001001438.3); c.2040C>T, p.Asn680= (NM_001145436.2); c.1833C>T, p.Asn611= (NM_001145437.2).
Identifiers: ClinVar variation 1929596 (VCV001929596.9), dbSNP rs138256269, ClinGen allele CA10074591.

ClinVar aggregate classification (germline): Likely benign. Review status: criteria provided, multiple submitters, no conflicts (2 of 4 stars). 2 submissions from 2 submitters: Likely benign (2). Last evaluated 2026-03-01.

Allele frequency attached by ClinVar (database versions not stated): gnomAD exomes 0.00002; ExAC 0.00003; TOPMed 0.00004; gnomAD 0.00005; ESP Exome Variant Server 0.00008.

Submissions (2):

CeGaT Center for Human Genetics Tuebingen
Classification: Likely benign. Last evaluated: 2026-03-01. Review status: criteria provided, single submitter. Criteria: CeGaT Center For Human Genetics Tuebingen Variant Classification Criteria Version 2. Collection method: clinical testing. Allele origin: germline. Affected: yes. Observed: 1 variant allele.
Comment: LSS: BP4, BP7

Labcorp Genetics (formerly Invitae), Labcorp
Classification: Likely benign. Last evaluated: 2025-03-05. Review status: criteria provided, single submitter. Criteria: Invitae Variant Classification Sherloc (09022015). Collection method: clinical testing. Allele origin: germline.